The following is an entry in ClinVar:

NM_014363.6(SACS):c.6338_6341del (p.Leu2113fs)

Gene: SACS (sacsin molecular chaperone; minus strand). Cytogenetic location: 13q12.12.
Variant type: Deletion.
Coding change: c.6338_6341del on transcript NM_014363.6 (MANE Select); coding-DNA positions 6338 to 6341, 4 bases deleted (TGAT; older notation c.6338_6341delTGAT).
Protein change: p.Leu2113fs; shifts the reading frame from leucine 2113.
Molecular consequence: frameshift variant.
Genome position (GRCh38, 1-based): chr13:23,337,535-23,337,538, ATCA deleted on the plus strand (TGAT on the coding strand, the reverse complement: SACS is on the minus strand); deleting any 4 consecutive bases within chr13:23,337,535-23,337,541 gives the same sequence; the c. name uses the placement nearest the transcript's 3' end. VCF-style (leftmost placement, unchanged base first): chr13-23337534-GATCA-G. GRCh37 (hg19) VCF-style: chr13-23911673-GATCA-G.
Other names: c.5897_5900del, p.Leu1966fs (NM_001278055.2); short protein forms L1966fs, L2113fs.
Identifiers: ClinVar variation 559869 (VCV000559869.4), dbSNP rs1555251822, ClinGen allele CA658823534.

ClinVar aggregate classification (germline): Pathogenic. Review status: criteria provided, multiple submitters, no conflicts (2 of 4 stars). 2 submissions from 2 submitters: Pathogenic (2). Last evaluated 2022-11-29.

Conditions:
Charlevoix-Saguenay spastic ataxia (SACS). Also called: SPASTIC ATAXIA 6, AUTOSOMAL RECESSIVE; AUTOSOMAL RECESSIVE SPASTIC ATAXIA OF CHARLEVOIX-SAGUENAY; Spastic ataxia of Charlevoix-Saguenay. Identifiers: Orphanet 98, MedGen C1849140, MONDO:0010041, OMIM 270550.
Spastic paraplegia. Identifiers: MedGen C0037772, HP:0001258.

Submissions (2):

Labcorp Genetics (formerly Invitae), Labcorp
Classification: Pathogenic for Spastic paraplegia. Last evaluated: 2022-11-29. Review status: criteria provided, single submitter. Criteria: Invitae Variant Classification Sherloc (09022015). Collection method: clinical testing. Allele origin: germline.
Comment: For these reasons, this variant has been classified as Pathogenic. This variant disrupts a region of the SACS protein in which other variant(s) (p.Asn4549Asp) have been determined to be pathogenic (PMID: 15156359, 21507954). This suggests that this is a clinically significant region of the protein, and that variants that disrupt it are likely to be disease-causing. ClinVar contains an entry for this variant (Variation ID: 559869). This variant has not been reported in the literature in individuals affected with SACS-related conditions. This variant is not present in population databases (gnomAD no frequency). This sequence change creates a premature translational stop signal (p.Leu2113Serfs*32) in the SACS gene. While this is not anticipated to result in nonsense mediated decay, it is expected to disrupt the last 2467 amino acid(s) of the SACS protein.

Equipe Genetique des Anomalies du Developpement, Université de Bourgogne
Classification: Pathogenic for Charlevoix-Saguenay spastic ataxia. Last evaluated: 2017-04-25. Review status: criteria provided, single submitter. Criteria: ACMG Guidelines, 2015. Collection method: clinical testing. Allele origin: unknown. Affected: yes. Study: Clinvar_gadteam_Clinical_exome_analysis_3.

Literature cited by the submitters: PubMed 15156359 (cited by Labcorp Genetics (formerly Invitae), Labcorp); PubMed 21507954 (cited by Labcorp Genetics (formerly Invitae), Labcorp).